The following is an entry in ClinVar:

NM_004715.5(CTDP1):c.1194C>T (p.Pro398=)

Gene: CTDP1 (CTD phosphatase 1; plus strand). Cytogenetic location: 18q23.
Variant type: single nucleotide variant.
Coding change: c.1194C>T on transcript NM_004715.5 (MANE Select); coding-DNA position 1194, C replaced by T.
Protein change: p.Pro398=; no amino-acid change (proline 398 retained).
Molecular consequence: synonymous variant.
Genome position (GRCh38, 1-based): chr18:79,714,654, C>T. VCF-style: chr18-79714654-C-T. GRCh37 (hg19) VCF-style: chr18-77474654-C-T.
Other names: p.Pro398=; c.837C>T, p.Pro279= (NM_001202504.1); c.1194C>T, p.Pro398= (NM_001318511.2, NM_048368.4).
Identifiers: ClinVar variation 727085 (VCV000727085.31), dbSNP rs372982303, ClinGen allele CA9010246.

ClinVar aggregate classification (germline): Likely benign. Review status: criteria provided, multiple submitters, no conflicts (2 of 4 stars). 5 submissions from 5 submitters: Likely benign (5). Last evaluated 2025-06-03.

Allele frequency attached by ClinVar (database versions not stated): TOPMed 0.00055; gnomAD 0.00062 and 0.00064; gnomAD exomes 0.00065 and 0.00098; ExAC 0.00068; ESP Exome Variant Server 0.00140.
gnomAD v4.1: 1,503 of 1,612,052 alleles (0.093%); highest among the groups gnomAD compares: Non-Finnish European, 0.12%; 1 homozygote.

Submissions (5):

Mayo Clinic Laboratories, Mayo Clinic
Classification: Likely benign. Last evaluated: 2025-06-03. Review status: criteria provided, single submitter. Criteria: ACMG Guidelines, 2015. Collection method: clinical testing. Allele origin: germline. Observed: 4 variant alleles.
Comment: BP4, BP7

Blueprint Genetics
Classification: Likely benign. Last evaluated: 2024-09-06. Review status: criteria provided, single submitter. Criteria: ACMG Guidelines, 2015. Collection method: clinical testing. Allele origin: germline.

CeGaT Center for Human Genetics Tuebingen
Classification: Likely benign. Last evaluated: 2024-07-01. Review status: criteria provided, single submitter. Criteria: CeGaT Center For Human Genetics Tuebingen Variant Classification Criteria Version 2. Collection method: clinical testing. Allele origin: germline. Affected: yes. Observed: 5 variant alleles.
Comment: CTDP1: BP4, BP7

Labcorp Genetics (formerly Invitae), Labcorp
Classification: Likely benign. Last evaluated: 2019-12-31. Review status: criteria provided, single submitter. Criteria: Invitae Variant Classification Sherloc (09022015). Collection method: clinical testing. Allele origin: germline.

Breakthrough Genomics
Classification: Likely benign. Review status: criteria provided, single submitter. Criteria: ACMG Guidelines, 2015. Collection method: not provided. Allele origin: germline. Inheritance: Autosomal recessive inheritance. Affected: yes.